The following is an entry in ClinVar:

ClinVar aggregate classification (germline): Conflicting classifications of pathogenicity. Review status: criteria provided, conflicting classifications (1 of 4 stars). 4 submissions from 4 submitters: Uncertain significance (1); Likely benign (2). 1 of the submissions does not count toward it. Last evaluated 2026-01-24.

Conditions:
GLDC-related disorder. Also called: GLDC-related condition.
Glycine encephalopathy. Also called: Non-ketotic hyperglycinemia; Nonketotic hyperglycinemia. Identifiers: Orphanet 407, MedGen C0751748, MONDO:0011612, HP:0008288.

Allele frequency attached by ClinVar (database versions not stated): 1000 Genomes Project 0.00060; 1000 Genomes Project 30x 0.00062; TOPMed 0.00063; ESP Exome Variant Server 0.00077.
gnomAD v4.1: 173 of 1,594,388 alleles (0.011%); highest among the groups gnomAD compares: African/African-American, 0.2%; no homozygotes.

Submissions (4):

Labcorp Genetics (formerly Invitae), Labcorp
Classification: Likely benign for Glycine encephalopathy. Last evaluated: 2026-01-24. Review status: criteria provided, single submitter. Criteria: Invitae Variant Classification Sherloc (09022015). Collection method: clinical testing. Allele origin: germline.

GeneDx
Classification: Uncertain significance. Last evaluated: 2025-10-27. Review status: criteria provided, single submitter. Criteria: GeneDx Variant Classification Process June 2021. Collection method: clinical testing. Allele origin: germline. Affected: yes.
Comment: In silico analysis suggests that this missense variant does not alter protein structure/function; Has not been previously published as pathogenic or benign to our knowledge

PreventionGenetics, part of Exact Sciences
Classification: Likely benign for GLDC-related condition. Last evaluated: 2025-03-18. Review status: criteria provided, single submitter. Criteria: ACMG Guidelines, 2015. Collection method: clinical testing. Allele origin: germline.
Comment: This variant is classified as likely benign based on ACMG/AMP sequence variant interpretation guidelines (Richards et al. 2015 PMID: 25741868, with internal and published modifications).

Natera, Inc.
Classification: Likely benign for Non-ketotic hyperglycinemia. Last evaluated: 2019-11-11. Review status: no assertion criteria provided. Collection method: clinical testing. Allele origin: germline. Not counted in ClinVar's aggregate classification.

NM_000170.3(GLDC):c.190G>A (p.Ala64Thr)

Gene: GLDC (glycine decarboxylase; minus strand). Cytogenetic location: 9p24.1.
Variant type: single nucleotide variant.
Coding change: c.190G>A on transcript NM_000170.3 (MANE Select); coding-DNA position 190, G replaced by A.
Protein change: p.Ala64Thr; replaces alanine 64 with threonine.
Molecular consequence: missense variant.
Genome position (GRCh38, 1-based): chr9:6,645,310, C>T on the plus strand (G>A on the coding strand, the complement: GLDC is on the minus strand). VCF-style: chr9-6645310-C-T. GRCh37 (hg19) VCF-style: chr9-6645310-C-T.
Other names: short protein forms A64T.
Identifiers: ClinVar variation 716712 (VCV000716712.18), dbSNP rs141601131, ClinGen allele CA4981277.